The following is an entry in ClinVar:

ClinVar aggregate classification (germline): Pathogenic/Likely pathogenic. Review status: criteria provided, multiple submitters, no conflicts (2 of 4 stars). 2 submissions from 2 submitters: Pathogenic (1); Likely pathogenic (1). Last evaluated 2025-12-10.

Conditions:
Aicardi-Goutieres syndrome 6 (AGS6). Identifiers: Orphanet 51, MedGen C3539013, MONDO:0014007, OMIM 615010.
Symmetrical dyschromatosis of extremities (DSH). Also called: RETICULATE ACROPIGMENTATION OF DOHI; SYMMETRIC DYSCHROMATOSIS OF THE EXTREMITIES; Dyschromatosis symmetrica hereditaria; DYSCHROMATOSIS SYMMETRICA HEREDITARIA 1. Identifiers: Orphanet 41, MedGen C0406775, MONDO:0007483, OMIM 127400.

gnomAD v4.1: 3 of 1,612,138 alleles (0.00019%); highest among the groups gnomAD compares: Non-Finnish European, 0.00025%; no homozygotes.

Submissions (2):

Labcorp Genetics (formerly Invitae), Labcorp
Classification: Pathogenic for Aicardi-Goutieres syndrome 6; Symmetrical dyschromatosis of extremities. Last evaluated: 2025-12-10. Review status: criteria provided, single submitter. Criteria: Invitae Variant Classification Sherloc (09022015). Collection method: clinical testing. Allele origin: germline.
Comment: This sequence change creates a premature translational stop signal (p.Arg360*) in the ADAR gene. It is expected to result in an absent or disrupted protein product. Loss-of-function variants in ADAR are known to be pathogenic (PMID: 22974014). This variant is present in population databases (no rsID available, gnomAD 0.0009%). This premature translational stop signal has been observed in individual(s) with dyschromatosis symmetrica hereditaria (PMID: 26892242). ClinVar contains an entry for this variant (Variation ID: 3375734). For these reasons, this variant has been classified as Pathogenic.

GeneDx
Classification: Likely pathogenic. Last evaluated: 2024-05-10. Review status: criteria provided, single submitter. Criteria: GeneDx Variant Classification Process June 2021. Collection method: clinical testing. Allele origin: germline. Affected: yes.
Comment: Reported in a family with a clinical diagnosis of DSH; however, it is unclear if all affected family members underwent testing (PMID: 26892242); Nonsense variant predicted to result in protein truncation or nonsense mediated decay in a gene for which loss of function is a known mechanism of disease; Not observed at significant frequency in large population cohorts (gnomAD); This variant is associated with the following publications: (PMID: 26892242)

Literature cited by the submitters: PubMed 22974014 (cited by Labcorp Genetics (formerly Invitae), Labcorp); PubMed 26892242 (cited by Labcorp Genetics (formerly Invitae), Labcorp).

NM_001111.5(ADAR):c.1078C>T (p.Arg360Ter)

Gene: ADAR (adenosine deaminase RNA specific; minus strand). Cytogenetic location: 1q21.3.
Variant type: single nucleotide variant.
Coding change: c.1078C>T on transcript NM_001111.5 (MANE Select); coding-DNA position 1078, C replaced by T.
Protein change: p.Arg360Ter; replaces arginine 360 with a stop codon.
Molecular consequence: nonsense.
Genome position (GRCh38, 1-based): chr1:154,601,564, G>A on the plus strand (C>T on the coding strand, the complement: ADAR is on the minus strand). VCF-style: chr1-154601564-G-A. GRCh37 (hg19) VCF-style: chr1-154574040-G-A.
Other names: c.193C>T, p.Arg65Ter (NM_001025107.3, NM_001193495.2, NM_001365046.1 and 3 more transcripts); c.1105C>T, p.Arg369Ter (NM_001365045.1); c.1078C>T, p.Arg360Ter (NM_015840.4, NM_015841.4); short protein forms R360*, R369*, R65*.
Identifiers: ClinVar variation 3375734 (VCV003375734.2).